The following is an entry in ClinVar:

NC_000005.10:g.(?_139476241)_(139481724_?)dup

Gene: STING1 (stimulator of interferon response cGAMP interactor 1; minus strand). Cytogenetic location: 5q31.2.
Variant type: Duplication.
Identifiers: ClinVar variation 833225 (VCV000833225.7).

ClinVar aggregate classification (germline): Uncertain significance (1 of 4 stars; one submission).

Conditions:
STING-associated vasculopathy with onset in infancy. Also called: Sting-associated vasculopathy, infantile-onset. Identifiers: Orphanet 425120, MedGen C4014722, MONDO:0014405, OMIM 615934.

Submission:

Labcorp Genetics (formerly Invitae), Labcorp
Classification: Uncertain significance for STING-associated vasculopathy with onset in infancy. Last evaluated: 2021-08-12. Review status: criteria provided, single submitter. Criteria: Invitae Variant Classification Sherloc (09022015). Collection method: clinical testing. Allele origin: germline.
Comment: A copy number gain of the genomic region encompassing the full coding sequence of the TMEM173 gene has been identified. The boundaries of this event are unknown as they extend beyond the assayed region for this gene and therefore may encompass additional genes. As the precise location of this event is unknown, it may be in tandem or it may be located elsewhere in the genome. This variant has not been reported in the literature in individuals affected with TMEM173-related conditions. In summary, the available evidence is currently insufficient to determine the role of this variant in disease. Therefore, it has been classified as a Variant of Uncertain Significance.